The following is an entry in ClinVar:

ClinVar aggregate classification (germline): Uncertain significance. Review status: criteria provided, multiple submitters, no conflicts (2 of 4 stars). 2 submissions from 2 submitters: Uncertain significance (2). Last evaluated 2026-07-07.

Conditions:
Fanconi anemia complementation group J. Also called: BRIP1-Related Fanconi Anemia. Identifiers: Orphanet 84, MedGen C1836860, MONDO:0012187, OMIM 609054.
Familial cancer of breast. Also called: Hereditary breast cancer; hereditary breast carcinoma; BREAST CANCER, FAMILIAL. Identifiers: Orphanet 227535, MedGen C0346153, MONDO:0016419, OMIM 114480. Disease mechanism: loss of function.
Hereditary cancer-predisposing syndrome. Also called: Tumor predisposition; Hereditary Cancer Syndrome; Hereditary neoplastic syndrome; Neoplastic Syndromes, Hereditary. Identifiers: Orphanet 140162, MedGen C0027672, MeSH D009386, MONDO:0015356.

Allele frequency attached by ClinVar (database versions not stated): gnomAD exomes below 0.00001.
gnomAD v4.1: 1 of 1,614,066 alleles (0.000062%); highest among the groups gnomAD compares: East Asian, 0.0022%; no homozygotes.

Submissions (2):

Ambry Genetics
Classification: Uncertain significance for Hereditary cancer-predisposing syndrome. Last evaluated: 2026-07-07. Review status: criteria provided, single submitter. Criteria: Ambry Variant Classification Scheme 2023. Collection method: clinical testing. Allele origin: germline.
Comment: The p.I780K variant (also known as c.2339T>A), located in coding exon 15 of the BRIP1 gene, results from a T to A substitution at nucleotide position 2339. The isoleucine at codon 780 is replaced by lysine, an amino acid with dissimilar properties. This amino acid position is conserved. In addition, this alteration is predicted to be deleterious by in silico analysis. Based on the available evidence, the clinical significance of this variant remains unclear.

Labcorp Genetics (formerly Invitae), Labcorp
Classification: Uncertain significance for Familial cancer of breast; Fanconi anemia complementation group J. Last evaluated: 2024-08-28. Review status: criteria provided, single submitter. Criteria: Invitae Variant Classification Sherloc (09022015). Collection method: clinical testing. Allele origin: germline.
Comment: This sequence change replaces isoleucine, which is neutral and non-polar, with lysine, which is basic and polar, at codon 780 of the BRIP1 protein (p.Ile780Lys). This variant is present in population databases (no rsID available, gnomAD 0.006%). This variant has not been reported in the literature in individuals affected with BRIP1-related conditions. ClinVar contains an entry for this variant (Variation ID: 1044581). Invitae Evidence Modeling of protein sequence and biophysical properties (such as structural, functional, and spatial information, amino acid conservation, physicochemical variation, residue mobility, and thermodynamic stability) indicates that this missense variant is not expected to disrupt BRIP1 protein function with a negative predictive value of 80%. In summary, the available evidence is currently insufficient to determine the role of this variant in disease. Therefore, it has been classified as a Variant of Uncertain Significance.

NM_032043.3(BRIP1):c.2339T>A (p.Ile780Lys)

Gene: BRIP1 (BRCA1 interacting DNA helicase 1; minus strand). Cytogenetic location: 17q23.2.
Variant type: single nucleotide variant.
Coding change: c.2339T>A on transcript NM_032043.3 (MANE Select); coding-DNA position 2339, T replaced by A.
Protein change: p.Ile780Lys; replaces isoleucine 780 with lysine.
Molecular consequence: missense variant.
Genome position (GRCh38, 1-based): chr17:61,743,053, A>T on the plus strand (T>A on the coding strand, the complement: BRIP1 is on the minus strand). VCF-style: chr17-61743053-A-T. GRCh37 (hg19) VCF-style: chr17-59820414-A-T.
Other names: c.2339T>A (NM_032043.2); short protein forms I780K.
Identifiers: ClinVar variation 1044581 (VCV001044581.8), dbSNP rs1467232177, ClinGen allele CA400482604.